The following is an entry in ClinVar:

ClinVar aggregate classification (germline): Likely pathogenic (1 of 4 stars; one submission).

Conditions:
DYNC2H1-related disorder. Also called: DYNC2H1-related disorders; DYNC2H1-related condition. Identifiers: MedGen CN378770.

Submission:

PreventionGenetics, part of Exact Sciences
Classification: Likely pathogenic for DYNC2H1-related condition. Last evaluated: 2025-10-08. Review status: criteria provided, single submitter. Criteria: ACMG Guidelines, 2015. Collection method: clinical testing. Allele origin: germline.
Comment: The DYNC2H1 c.6140-2A>G variant is predicted to disrupt the AG splice acceptor site and interfere with normal splicing. To our knowledge, this variant has not been reported in the literature or in a large population database (gnomAD), indicating this variant is rare. Variants that disrupt the consensus splice acceptor site in DYNC2H1 are expected to be pathogenic. This variant is interpreted as likely pathogenic.

NM_001377.3(DYNC2H1):c.6140-2A>G

Gene: DYNC2H1 (dynein cytoplasmic 2 heavy chain 1; plus strand). Cytogenetic location: 11q22.3.
Variant type: single nucleotide variant.
Coding change: c.6140-2A>G on transcript NM_001377.3 (MANE Select); the canonical splice acceptor site of the intron before coding-DNA position 6140, A replaced by G.
Molecular consequence: splice acceptor variant.
Genome position (GRCh38, 1-based): chr11:103,179,024, A>G. VCF-style: chr11-103179024-A-G. GRCh37 (hg19) VCF-style: chr11-103049753-A-G.
Other names: c.6140-2A>G (NM_001080463.2).
Identifiers: ClinVar variation 4981723 (VCV004981723.1).
Genomic context (GRCh38, chr11:103,179,024, plus strand): 5'-TTTTTAATTATTATCACTGCATATATTTTTATTTTGTCTCCACTGTTTTGATTTGAAAAT[A>G]GATGTCAGCTCATGGATAATCTGTGATGGTGATATTGACCCTGAATGGATAGAATCTCTG-3'